The following is an entry in ClinVar:

ClinVar aggregate classification (germline): Uncertain significance. Review status: criteria provided, multiple submitters, no conflicts (2 of 4 stars). 3 submissions from 3 submitters: Uncertain significance (3). Last evaluated 2026-03-10.

Conditions:
Autosomal recessive limb-girdle muscular dystrophy type 2Q (LGMDR17). Also called: MUSCULAR DYSTROPHY, LIMB-GIRDLE, AUTOSOMAL RECESSIVE 17. Identifiers: Orphanet 254361, MedGen C3150989, MONDO:0013390, OMIM 613723.
Epidermolysis bullosa simplex with nail dystrophy (EBS5D). Identifiers: MedGen C4225309, MONDO:0014661, OMIM 616487.
Epidermolysis bullosa simplex, Ogna type (EBS5A). Also called: Pidermolysis bullosa simplex 5A, Ogna type; EPIDERMOLYSIS BULLOSA SIMPLEX 5A, OGNA TYPE. Identifiers: Orphanet 79401, MedGen C0432317, MONDO:0007555, OMIM 131950.
Epidermolysis bullosa simplex 5B, with muscular dystrophy (EBS5B). Also called: EPIDERMOLYSIS BULLOSA SIMPLEX AND LIMB-GIRDLE MUSCULAR DYSTROPHY; Epidermolysis bullosa simplex with muscular dystrophy. Identifiers: Orphanet 257, MedGen C2931072, MONDO:0009181, OMIM 226670.
Epidermolysis bullosa simplex 5C, with pyloric atresia (EBS5C). Also called: PLEC-Related Epidermolysis Bullosa with Pyloric Atresia; Epidermolysis bullosa simplex with pyloric atresia; PLEC1-Related Epidermolysis Bullosa with Pyloric Atresia. Identifiers: Orphanet 158684, MedGen C2677349, MONDO:0012807, OMIM 612138.
Inborn genetic diseases. Identifiers: MedGen C0950123, MeSH D030342.

gnomAD v4.1: 19 of 1,607,328 alleles (0.0012%); highest among the groups gnomAD compares: East Asian, 0.0022%; no homozygotes.

Submissions (3):

Ambry Genetics
Classification: Uncertain significance for Inborn genetic diseases. Last evaluated: 2026-03-10. Review status: criteria provided, single submitter. Criteria: Ambry Variant Classification Scheme 2023. Collection method: clinical testing. Allele origin: germline.

Labcorp Genetics (formerly Invitae), Labcorp
Classification: Uncertain significance for Autosomal recessive limb-girdle muscular dystrophy type 2Q; Epidermolysis bullosa simplex, Ogna type; Epidermolysis bullosa simplex with nail dystrophy; Epidermolysis bullosa simplex 5C, with pyloric atresia; Epidermolysis bullosa simplex 5B, with muscular dystrophy. Last evaluated: 2025-01-28. Review status: criteria provided, single submitter. Criteria: Invitae Variant Classification Sherloc (09022015). Collection method: clinical testing. Allele origin: germline.
Comment: This sequence change replaces arginine, which is basic and polar, with tryptophan, which is neutral and slightly polar, at codon 2532 of the PLEC protein (p.Arg2532Trp). The frequency data for this variant in the population databases is considered unreliable, as metrics indicate poor data quality at this position in the gnomAD database. This variant has not been reported in the literature in individuals affected with PLEC-related conditions. ClinVar contains an entry for this variant (Variation ID: 1353941). Invitae Evidence Modeling of protein sequence and biophysical properties (such as structural, functional, and spatial information, amino acid conservation, physicochemical variation, residue mobility, and thermodynamic stability) has been performed for this missense variant. However, the output from this modeling did not meet the statistical confidence thresholds required to predict the impact of this variant on PLEC protein function. In summary, the available evidence is currently insufficient to determine the role of this variant in disease. Therefore, it has been classified as a Variant of Uncertain Significance.

Athena Diagnostics
Classification: Uncertain significance. Last evaluated: 2023-06-15. Review status: criteria provided, single submitter. Criteria: Athena Diagnostics Criteria. Collection method: clinical testing. Allele origin: unknown.
Comment: Available data are insufficient to determine the clinical significance of the variant at this time. The frequency of this variant in the general population is uninformative in assessment of its pathogenicity. Computational tools disagree on the variant's effect on normal protein function.

NM_201384.3(PLEC):c.7513C>T (p.Arg2505Trp)

Gene: PLEC (plectin; minus strand). Cytogenetic location: 8q24.3.
Variant type: single nucleotide variant.
Coding change: c.7513C>T on transcript NM_201384.3 (MANE Select); coding-DNA position 7513, C replaced by T.
Protein change: p.Arg2505Trp; replaces arginine 2505 with tryptophan.
Molecular consequence: missense variant.
Genome position (GRCh38, 1-based): chr8:143,922,308, G>A on the plus strand (C>T on the coding strand, the complement: PLEC is on the minus strand). VCF-style: chr8-143922308-G-A. GRCh37 (hg19) VCF-style: chr8-144996476-G-A.
Other names: c.7594C>T, p.Arg2532Trp (NM_000445.5); c.7471C>T, p.Arg2491Trp (NM_201378.4); c.7447C>T, p.Arg2483Trp (NM_201379.3); c.7924C>T, p.Arg2642Trp (NM_201380.4); c.7417C>T, p.Arg2473Trp (NM_201381.3); c.7513C>T, p.Arg2505Trp (NM_201382.4); c.7525C>T, p.Arg2509Trp (NM_201383.3); c.7594C>T (NM_000445.3); short protein forms R2483W, R2532W, R2491W, R2505W, R2509W, R2473W, R2642W.
Identifiers: ClinVar variation 1353941 (VCV001353941.9), dbSNP rs782284017, ClinGen allele CA372524779.
Genomic context (GRCh38, chr8:143,922,308, plus strand): 5'-CCACCTCGTCCTGGAAGAGCTGCTCCAGCTTGGCCTTCTCCTGCTCGATGAAGCGCTCCC[G>A]CTGTAGCAGGCTGTCCTTTTCAGAGAGGAAGCTTTGCTGCAGGGCCTGCGTCTCCTGCAG-3'
Protein context (NP_958786.1, residues 2495-2515): FLSEKDSLLQ[Arg2505Trp]ERFIEQEKAK